The following is an entry in ClinVar:

NM_001099287.2(NIPAL4):c.-101C>A

Genes: NIPAL4 (NIPA like domain containing 4; plus strand), LOC129995124 (ATAC-STARR-seq lymphoblastoid silent region 16559; plus strand). Cytogenetic location: 5q33.3.
Variant type: single nucleotide variant.
Coding change: c.-101C>A on transcript NM_001099287.2 (MANE Select); 101 bases upstream of the start codon, C replaced by A.
Molecular consequence: 5 prime UTR variant.
Genome position (GRCh38, 1-based): chr5:157,460,220, C>A. VCF-style: chr5-157460220-C-A. GRCh37 (hg19) VCF-style: chr5-156887228-C-A.
Other names: c.-101C>A (NM_001172292.2).
Identifiers: ClinVar variation 3364733 (VCV003364733.3).

ClinVar aggregate classification (germline): Conflicting classifications of pathogenicity. Review status: criteria provided, conflicting classifications (1 of 4 stars). 3 submissions from 3 submitters: Pathogenic (1); Likely pathogenic (1); Uncertain significance (1). Last evaluated 2026-01-14.

Conditions:
Autosomal recessive congenital ichthyosis 6 (ARCI6). Identifiers: Orphanet 313, Orphanet 79394, MedGen C2677065, MONDO:0012847, OMIM 612281.

gnomAD v4.1: 13 of 1,493,170 alleles (0.00087%); highest among the groups gnomAD compares: Middle Eastern, 0.019%; no homozygotes.

Submissions (3):

Labcorp Genetics (formerly Invitae), Labcorp
Classification: Pathogenic. Last evaluated: 2026-01-14. Review status: criteria provided, single submitter. Criteria: Invitae Variant Classification Sherloc (09022015). Collection method: clinical testing. Allele origin: germline.
Comment: This sequence change creates a premature translational stop signal (p.Ser29*) in the NIPAL4 gene. It is expected to result in an absent or disrupted protein product. Loss-of-function variants in NIPAL4 are known to be pathogenic (PMID: 15317751, 17557927). The frequency data for this variant in the population databases is considered unreliable, as metrics indicate poor data quality at this position in the gnomAD database. This variant has not been reported in the literature in individuals affected with NIPAL4-related conditions. ClinVar contains an entry for this variant (Variation ID: 3364733). For these reasons, this variant has been classified as Pathogenic.

First Genomix Gene Laboratory, Genetic Diagnostics Department
Classification: Likely pathogenic for Autosomal recessive congenital ichthyosis 6. Last evaluated: 2025-09-17. Review status: criteria provided, single submitter. Criteria: ACMG Guidelines, 2015. Collection method: clinical testing. Allele origin: germline. Inheritance: Autosomal recessive inheritance. Affected: no. Observed: 1 variant allele.

GeneDx
Classification: Uncertain significance. Last evaluated: 2023-11-30. Review status: criteria provided, single submitter. Criteria: GeneDx Variant Classification Process June 2021. Collection method: clinical testing. Allele origin: germline. Affected: yes.
Comment: Has not been previously published as pathogenic or benign to our knowledge; Nonsense variant predicted to result in protein truncation or nonsense mediated decay in a gene for which loss of function is a known mechanism of disease

Literature cited by the submitters: PubMed 15317751 (cited by Labcorp Genetics (formerly Invitae), Labcorp); PubMed 17557927 (cited by Labcorp Genetics (formerly Invitae), Labcorp).